The following is an entry in ClinVar:

NM_001972.4(ELANE):c.263A>C (p.Asn88Thr)

Gene: ELANE (elastase, neutrophil expressed; plus strand). Cytogenetic location: 19p13.3.
Variant type: single nucleotide variant.
Coding change: c.263A>C on transcript NM_001972.4 (MANE Select); coding-DNA position 263, A replaced by C.
Protein change: p.Asn88Thr; replaces asparagine 88 with threonine.
Molecular consequence: missense variant.
Genome position (GRCh38, 1-based): chr19:853,300, A>C. VCF-style: chr19-853300-A-C. GRCh37 (hg19) VCF-style: chr19-853300-A-C.
Other names: short protein forms N88T.
Identifiers: ClinVar variation 4870365 (VCV004870365.1).

ClinVar aggregate classification (germline): Uncertain significance (1 of 4 stars; one submission).

Conditions:
Inborn genetic diseases. Identifiers: MedGen C0950123, MeSH D030342.

Submission:

Ambry Genetics
Classification: Uncertain significance for Inborn genetic diseases. Last evaluated: 2026-05-14. Review status: criteria provided, single submitter. Criteria: Ambry Variant Classification Scheme 2023. Collection method: clinical testing. Allele origin: germline.
Comment: The p.N88T variant (also known as c.263A>C), located in coding exon 3 of the ELANE gene, results from an A to C substitution at nucleotide position 263. The asparagine at codon 88 is replaced by threonine, an amino acid with similar properties. This amino acid position is conserved. In addition, the in silico prediction for this alteration is inconclusive. Based on the available evidence, the clinical significance of this variant remains unclear.